The following is an entry in ClinVar:

ClinVar aggregate classification (germline): Uncertain significance. Review status: criteria provided, multiple submitters, no conflicts (2 of 4 stars). 2 submissions from 2 submitters: Uncertain significance (2). Last evaluated 2025-04-24.

Conditions:
Inborn genetic diseases. Identifiers: MedGen C0950123, MeSH D030342.
3-methylglutaconic aciduria, type VIIB (MGCA7B). Also called: CLPB Deficiency; 3-methylglutaconic aciduria with cataracts, neurologic involvement and neutropenia; 3-methylglutaconic aciduria, type VII, with cataracts, neurologic involvement and neutropenia. Identifiers: Orphanet 445038, MedGen C5676893, MONDO:0014561, OMIM 616271.

Allele frequency attached by ClinVar (database versions not stated): gnomAD 0.00001; gnomAD exomes 0.00001.
gnomAD v4.1: 8 of 1,614,100 alleles (0.0005%); highest among the groups gnomAD compares: Admixed American, 0.0033%; no homozygotes.

Submissions (2):

Labcorp Genetics (formerly Invitae), Labcorp
Classification: Uncertain significance for 3-methylglutaconic aciduria, type VIIB. Last evaluated: 2025-04-24. Review status: criteria provided, single submitter. Criteria: Invitae Variant Classification Sherloc (09022015). Collection method: clinical testing. Allele origin: germline.
Comment: This sequence change replaces serine, which is neutral and polar, with leucine, which is neutral and non-polar, at codon 574 of the CLPB protein (p.Ser574Leu). The frequency data for this variant in the population databases is considered unreliable, as metrics indicate poor data quality at this position in the gnomAD database. This variant has not been reported in the literature in individuals affected with CLPB-related conditions. ClinVar contains an entry for this variant (Variation ID: 1471968). An algorithm developed to predict the effect of missense changes on protein structure and function (PolyPhen-2) suggests that this variant is likely to be disruptive. In summary, the available evidence is currently insufficient to determine the role of this variant in disease. Therefore, it has been classified as a Variant of Uncertain Significance.

Ambry Genetics
Classification: Uncertain significance for Inborn genetic diseases. Last evaluated: 2024-03-25. Review status: criteria provided, single submitter. Criteria: Ambry Variant Classification Scheme 2023. Collection method: clinical testing. Allele origin: germline.

NM_001258392.3(CLPB):c.1631C>T (p.Ser544Leu)

Gene: CLPB (ClpB family mitochondrial disaggregase; minus strand). Cytogenetic location: 11q13.4.
Variant type: single nucleotide variant.
Coding change: c.1631C>T on transcript NM_001258392.3 (MANE Select); coding-DNA position 1631, C replaced by T.
Protein change: p.Ser544Leu; replaces serine 544 with leucine.
Molecular consequence: missense variant.
Genome position (GRCh38, 1-based): chr11:72,294,374, G>A on the plus strand (C>T on the coding strand, the complement: CLPB is on the minus strand). VCF-style: chr11-72294374-G-A. GRCh37 (hg19) VCF-style: chr11-72005418-G-A.
Other names: c.1544C>T, p.Ser515Leu (NM_001258393.3); c.1586C>T, p.Ser529Leu (NM_001258394.3); c.1721C>T, p.Ser574Leu (NM_030813.6); c.1721C>T (NM_030813.3); short protein forms S529L, S544L, S574L, S515L.
Identifiers: ClinVar variation 1471968 (VCV001471968.7), dbSNP rs1430716011, ClinGen allele CA381726331.